The following is an entry in ClinVar:

ClinVar aggregate classification (germline): Uncertain significance (1 of 4 stars; one submission).

Conditions:
Cardiovascular phenotype. Identifiers: MedGen CN230736.

Submission:

Ambry Genetics
Classification: Uncertain significance for Cardiovascular phenotype. Last evaluated: 2026-04-30. Review status: criteria provided, single submitter. Criteria: Ambry Variant Classification Scheme 2023. Collection method: clinical testing. Allele origin: germline.
Comment: The p.P837L variant (also known as c.2510C>T), located in coding exon 17 of the VCL gene, results from a C to T substitution at nucleotide position 2510. The proline at codon 837 is replaced by leucine, an amino acid with similar properties. This amino acid position is conserved. In addition, the in silico prediction for this alteration is inconclusive. Based on the available evidence, the clinical significance of this variant remains unclear.

NM_014000.3(VCL):c.2510C>T (p.Pro837Leu)

Gene: VCL (vinculin; plus strand). Cytogenetic location: 10q22.2.
Variant type: single nucleotide variant.
Coding change: c.2510C>T on transcript NM_014000.3 (MANE Select); coding-DNA position 2510, C replaced by T.
Protein change: p.Pro837Leu; replaces proline 837 with leucine.
Molecular consequence: missense variant.
Genome position (GRCh38, 1-based): chr10:74,107,305, C>T. VCF-style: chr10-74107305-C-T. GRCh37 (hg19) VCF-style: chr10-75867063-C-T.
Other names: c.2510C>T, p.Pro837Leu (NM_003373.4); short protein forms P837L.
Identifiers: ClinVar variation 4866403 (VCV004866403.1).
Genomic context (GRCh38, chr10:74,107,305, plus strand): 5'-TCCTGGACTCAGGATATCGGATCCTGGGAGCTGTGGCCAAGGTCAGAGAAGCCTTCCAAC[C>T]TCAGGAGCCTGACTTCCCGCCGCCTCCACCAGACCTTGAACAACTCCGAGTAAGTAAATT-3'
Protein context (NP_054706.1, residues 827-847): AVAKVREAFQ[Pro837Leu]QEPDFPPPPP